The following is an entry in ClinVar:

ClinVar aggregate classification (germline): Uncertain significance (1 of 4 stars; one submission).

Conditions:
AVP-related disorder. Also called: AVP-related condition.

Submission:

PreventionGenetics, part of Exact Sciences
Classification: Uncertain significance for AVP-related condition. Last evaluated: 2026-08-20. Review status: criteria provided, single submitter. Criteria: ACMG Guidelines, 2015. Collection method: clinical testing. Allele origin: germline.
Comment: The AVP c.194G>A variant is predicted to result in the amino acid substitution p.Cys65Tyr. To our knowledge, this variant has not been reported in the literature or in a large population database (gnomAD), indicating this variant is rare. At this time, the clinical significance of this variant is uncertain due to the absence of conclusive functional and genetic evidence.

NM_000490.5(AVP):c.194G>A (p.Cys65Tyr)

Gene: AVP (arginine vasopressin; minus strand). Cytogenetic location: 20p13.
Variant type: single nucleotide variant.
Coding change: c.194G>A on transcript NM_000490.5 (MANE Select); coding-DNA position 194, G replaced by A.
Protein change: p.Cys65Tyr; replaces cysteine 65 with tyrosine.
Molecular consequence: missense variant.
Genome position (GRCh38, 1-based): chr20:3,083,105, C>T on the plus strand (G>A on the coding strand, the complement: AVP is on the minus strand). VCF-style: chr20-3083105-C-T. GRCh37 (hg19) VCF-style: chr20-3063751-C-T.
Other names: short protein forms C65Y.
Identifiers: ClinVar variation 4992175 (VCV004992175.1).